The following is an entry in ClinVar:

ClinVar aggregate classification (germline): Uncertain significance (1 of 4 stars; one submission).

Conditions:
Developmental and epileptic encephalopathy, 23 (DEE23). Also called: Epileptic encephalopathy, early infantile, 23. Identifiers: Orphanet 411986, MedGen C4014492, MONDO:0014371, OMIM 615859.

Allele frequency attached by ClinVar (database versions not stated): ExAC 0.00001; gnomAD 0.00001; TOPMed 0.00001; gnomAD exomes 0.00003.
gnomAD v4.1: 42 of 1,613,146 alleles (0.0026%); highest among the groups gnomAD compares: East Asian, 0.0045%; no homozygotes.

Submission:

Labcorp Genetics (formerly Invitae), Labcorp
Classification: Uncertain significance for Developmental and epileptic encephalopathy, 23. Last evaluated: 2022-01-21. Review status: criteria provided, single submitter. Criteria: Invitae Variant Classification Sherloc (09022015). Collection method: clinical testing. Allele origin: germline.
Comment: This sequence change replaces arginine, which is basic and polar, with histidine, which is basic and polar, at codon 395 of the DOCK7 protein (p.Arg395His). This variant is present in population databases (rs762552417, gnomAD 0.003%). This variant has not been reported in the literature in individuals affected with DOCK7-related conditions. Algorithms developed to predict the effect of missense changes on protein structure and function are either unavailable or do not agree on the potential impact of this missense change (SIFT: "Deleterious"; PolyPhen-2: "Probably Damaging"; Align-GVGD: "Class C0"). In summary, the available evidence is currently insufficient to determine the role of this variant in disease. Therefore, it has been classified as a Variant of Uncertain Significance.

NM_001367561.1(DOCK7):c.1184G>A (p.Arg395His)

Gene: DOCK7 (dedicator of cytokinesis 7; minus strand). Cytogenetic location: 1p31.3.
Variant type: single nucleotide variant.
Coding change: c.1184G>A on transcript NM_001367561.1 (MANE Select); coding-DNA position 1184, G replaced by A.
Protein change: p.Arg395His; replaces arginine 395 with histidine.
Molecular consequence: missense variant.
Genome position (GRCh38, 1-based): chr1:62,631,338, C>T on the plus strand (G>A on the coding strand, the complement: DOCK7 is on the minus strand). VCF-style: chr1-62631338-C-T. GRCh37 (hg19) VCF-style: chr1-63097009-C-T.
Other names: c.1184G>A, p.Arg395His (NM_001271999.2, NM_001272000.2, NM_001272001.2 and 3 more transcripts); short protein forms R395H.
Identifiers: ClinVar variation 1980650 (VCV001980650.1), dbSNP rs762552417, ClinGen allele CA887004.